The following is an entry in ClinVar:

ClinVar aggregate classification (germline): Uncertain significance. Review status: criteria provided, single submitter (1 of 4 stars). 2 submissions from 2 submitters: Uncertain significance (1). 1 of the submissions does not count toward it. Last evaluated 2024-02-24.

Conditions:
MHC class II deficiency. Also called: Bare lymphocyte syndrome 2; BLS, TYPE II. Identifiers: Orphanet 572, MedGen C5447452, MONDO:0008855.

Allele frequency attached by ClinVar (database versions not stated): gnomAD 0.00001; gnomAD exomes 0.00001; TOPMed 0.00001; ExAC 0.00002.

Submissions (2):

Labcorp Genetics (formerly Invitae), Labcorp
Classification: Uncertain significance for MHC class II deficiency. Last evaluated: 2024-02-24. Review status: criteria provided, single submitter. Criteria: Invitae Variant Classification Sherloc (09022015). Collection method: clinical testing. Allele origin: germline.
Comment: This sequence change replaces methionine, which is neutral and non-polar, with threonine, which is neutral and polar, at codon 132 of the CIITA protein (p.Met132Thr). This variant is present in population databases (rs781384047, gnomAD 0.002%). This variant has not been reported in the literature in individuals affected with CIITA-related conditions. ClinVar contains an entry for this variant (Variation ID: 1362679). An algorithm developed to predict the effect of missense changes on protein structure and function (PolyPhen-2) suggests that this variant is likely to be tolerated. In summary, the available evidence is currently insufficient to determine the role of this variant in disease. Therefore, it has been classified as a Variant of Uncertain Significance.

Natera, Inc.
Classification: Uncertain significance for Bare lymphocyte syndrome type II. Last evaluated: 2025-02-23. Review status: no assertion criteria provided. Collection method: clinical testing. Allele origin: germline. Not counted in ClinVar's aggregate classification.

NM_000246.4(CIITA):c.395T>C (p.Met132Thr)

Gene: CIITA (class II major histocompatibility complex transactivator; plus strand). Cytogenetic location: 16p13.13.
Variant type: single nucleotide variant.
Coding change: c.395T>C on transcript NM_000246.4 (MANE Select); coding-DNA position 395, T replaced by C.
Protein change: p.Met132Thr; replaces methionine 132 with threonine.
Molecular consequence: missense variant. On other transcripts: non-coding transcript variant (1).
Genome position (GRCh38, 1-based): chr16:10,898,961, T>C. VCF-style: chr16-10898961-T-C. GRCh37 (hg19) VCF-style: chr16-10992818-T-C.
Other names: c.395T>C (NM_000246.3); c.398T>C, p.Met133Thr (NM_001286402.1, NM_001379330.1, NM_001379332.1); c.395T>C, p.Met132Thr (NM_001286403.2, NM_001379331.1, NM_001379333.1); c.326T>C, p.Met109Thr (NM_001379334.1); short protein forms M132T, M133T, M109T.
Identifiers: ClinVar variation 1362679 (VCV001362679.7), dbSNP rs781384047, ClinGen allele CA7899700.
Genomic context (GRCh38, chr16:10,898,961, plus strand): 5'-GGTCTCTGGTTTTTCTCAAAGTAGAGCACATAGGACCAGATGAAGTGATCGGTGAGAGTA[T>C]GGAGATGCCAGCAGAAGTTGGGCAGAAAAGTCAGAAAAGACGTGAGTGAGCCCCTCCCTG-3'
Protein context (NP_000237.2, residues 122-142): IGPDEVIGES[Met132Thr]EMPAEVGQKS